The following is an entry in ClinVar:

ClinVar aggregate classification (germline): Conflicting classifications of pathogenicity. Review status: criteria provided, conflicting classifications (1 of 4 stars). 15 submissions from 15 submitters: Uncertain significance (5); Benign (1); Likely benign (5). 4 of the submissions do not count toward it. Last evaluated 2026-08-12.

Conditions:
PROKR2-related disorder. Also called: PROKR2-related condition.
Hypogonadotropic hypogonadism. Also called: Low gonadotropins (secondary hypogonadism); Hypogonadotropic hypogonadism with or without anosmia; Hypogonadotrophic hypogonadism; Isolated hypogonadotropic hypogonadism. Identifiers: Orphanet 432, MedGen C0271623, MONDO:0018555, HP:0000044.
Hypogonadotropic hypogonadism 3 with or without anosmia (HH3). Also called: PROKR2-Related GnRH Deficiency (Kallmann Syndrome 3); HYPOGONADOTROPIC HYPOGONADISM 3 WITH ANOSMIA. Identifiers: Orphanet 478, MedGen C3550478, MONDO:0009482, OMIM 244200.
Infertility disorder. Also called: Infertility. Identifiers: MedGen C0021359, MeSH D007246, MONDO:0005047, HP:0000789.

Allele frequency attached by ClinVar (database versions not stated): 1000 Genomes Project 30x 0.00094; 1000 Genomes Project 0.00100; gnomAD 0.00214 and 0.00220; ExAC 0.00225; gnomAD exomes 0.00230 and 0.00326; TOPMed 0.00232.
gnomAD v4.1: 5,094 of 1,614,222 alleles (0.32%); highest among the groups gnomAD compares: Non-Finnish European, 0.38%; 18 homozygotes.

Submissions 1 to 11 of 15:

GeneDx
Classification: Uncertain significance. Last evaluated: 2026-08-12. Review status: criteria provided, single submitter. Criteria: GeneDx Variant Classification Process June 2021. Collection method: clinical testing. Allele origin: germline.
Comment: Reported in the heterozygous, homozygous, or compound heterozygous state in published literature in multiple unrelated patients from different ethnic backgrounds with variable phenotypes, including classic Kallman syndrome with anosmia and hypogonadism, hypogonadotropic hypogonadism, hypothalamic amenorrhea, and gonadotropin-releasing hormone (GnRH) deficiency (PMID: 17054399, 21247312, 22035731, 22773735, 23386640); Published functional studies demonstrate decreased signalling activity secondary to impaired cell-surface targeting of the PROKR2 receptor protein (PMID: 18826963); In silico analysis supports that this missense variant has a deleterious effect on protein structure/function; This variant is associated with the following publications: (PMID: 22035731, 18723471, 26733480, 28754744, 24276467, 23643382, 22466334, 23386640, 21247312, 27168972, 27899157, 29161432, 29419413, 34426522, 35207461, 35173048, 35236788, 33098107, 34231173, 33401665, Wang2022[case report], 33932486, 36531499, 30476936, 36034425, 32222824, 33988008, 36843573, 35066646, 36138264, 36920900, 25071724, 37338295, 37321569, 36694982, 18826963, 22773735, 17054399, 40498399, 38593951)

CeGaT Center for Human Genetics Tuebingen
Classification: Benign. Last evaluated: 2026-07-01. Review status: criteria provided, single submitter. Criteria: CeGaT Center For Human Genetics Tuebingen Variant Classification Criteria Version 2. Collection method: clinical testing. Allele origin: germline. Affected: yes. Observed: 5 variant alleles.
Comment: PROKR2: BS1, BS2

PreventionGenetics, part of Exact Sciences
Classification: Uncertain significance for PROKR2-related condition. Last evaluated: 2026-06-26. Review status: criteria provided, single submitter. Criteria: ACMG Guidelines, 2015. Collection method: clinical testing. Allele origin: germline.
Comment: The PROKR2 c.518T>G variant is predicted to result in the amino acid substitution p.Leu173Arg. This variant has been reported in the heterozygous, homozygous, and compound heterozygous states in multiple individuals with Kallmann syndrome or hypogonadotropic hypogonadism (Dodé et al. 2006. PubMed ID: 17054399; Cole et al. 2008. PubMed ID: 18559922; Canto et al. 2009. PubMed ID: 18723471; Monnier et al. 2009. PubMed ID: 18826963; Caronia et al. 2011. PubMed ID: 21247312; Avbelj Stefanija et al. 2012. PubMed ID: 22773735; Quaynor et al. 2011. PubMed ID: 22035731; Reynaud et al. 2012. PubMed ID: 22466334; Libri et al. 2013. PubMed ID: 24276467; McCabe et al. 2013. PubMed ID: 23386640; Miraoui et al. 2013. PubMed ID: 23643382; Kardelen et al. 2023. PubMed ID: 37338295). However, this variant has also been found as heterozygous or homozygous in asymptomatic parents (Avbelj Stefanija et al. 2012. PubMed ID: 22773735; Reynaud et al. 2012. PubMed ID: 22466334; McCabe et al. 2013. PubMed ID: 23386640). One study showed that the c.518T>G (p.Leu173Arg) variant was identified in affected patients with a carrier frequency ~15 fold higher than unaffected controls (Avbelj Stefanija et al. 2012. PubMed ID: 22773735). In vitro functional studies have shown that c.518T>G (p.Leu173Arg) had decreased signaling activity as well as impaired cell surface-targeting of the receptor (Cole et al. 2008. PubMed ID: 18559922; Monnier et al. 2009. PubMed ID: 18826963; Song et al. 2022. PubMed ID: 35173048). Due to the conflicting evidence, the clinical significance of this variant is uncertain.

Women's Health and Genetics/Laboratory Corporation of America, LabCorp
Classification: Likely benign. Last evaluated: 2026-06-04. Review status: criteria provided, single submitter. Criteria: LabCorp Variant Classification Summary - May 2015. Collection method: clinical testing. Allele origin: germline.
Comment: Variant summary: PROKR2 c.518T>G (p.Leu173Arg) results in a non-conservative amino acid change in the encoded protein sequence. Algorithms developed to predict the effect of missense changes on protein structure and function are either unavailable or do not agree on the potential impact of this missense change. The variant allele was found at a frequency of 0.0023 in 251442 control chromosomes, predominantly at a frequency of 0.0035 within the Non-Finnish European subpopulation in the gnomAD database, including 2 homozygotes. The observed variant frequency within Non-Finnish European control individuals in the gnomAD database exceeds the estimated maximal expected allele frequency for disease-causing variants in PROKR2. ClinVar contains an entry for this variant (Variation ID: 3449). Based on the evidence outlined above, the variant was classified as likely benign.

Labcorp Genetics (formerly Invitae), Labcorp
Classification: Likely benign. Last evaluated: 2026-02-04. Review status: criteria provided, single submitter. Criteria: Invitae Variant Classification Sherloc (09022015). Collection method: clinical testing. Allele origin: germline.

Blueprint Genetics
Classification: Likely benign. Last evaluated: 2024-11-27. Review status: criteria provided, single submitter. Criteria: ACMG Guidelines, 2015. Collection method: clinical testing. Allele origin: germline.

Revvity Omics, Revvity
Classification: Uncertain significance for Hypogonadotropic hypogonadism 3 with or without anosmia. Last evaluated: 2022-08-02. Review status: criteria provided, single submitter. Criteria: ACMG Guidelines, 2015. Collection method: clinical testing. Allele origin: germline.

Athena Diagnostics
Classification: Uncertain significance. Last evaluated: 2020-12-22. Review status: criteria provided, single submitter. Criteria: Athena Diagnostics Criteria. Collection method: clinical testing. Allele origin: unknown.
Comment: The best available variant frequency is higher than the disease allele frequency; however, this variant is statistically enriched in patients compared to population databases. Variant has been seen homozygously in unaffected individuals. Assessment of experimental evidence suggests this variant results in abnormal protein function.

Mendelics
Classification: Uncertain significance for Hypogonadotropic hypogonadism 3 with or without anosmia. Last evaluated: 2019-05-28. Review status: criteria provided, single submitter. Criteria: Mendelics Assertion Criteria 2017. Collection method: clinical testing. Allele origin: unknown.

Illumina Laboratory Services, Illumina
Classification: Likely benign for Hypogonadotropic hypogonadism 3 with or without anosmia. Last evaluated: 2017-04-27. Review status: criteria provided, single submitter. Criteria: ICSL Variant Classification Criteria 13 December 2019. Collection method: clinical testing. Allele origin: germline.
Comment: This variant was observed as part of a predisposition screen in an ostensibly healthy population. A literature search was performed for the gene, cDNA change, and amino acid change (where applicable). Publications were found based on this search. The evidence from the literature, in combination with allele frequency data from public databases where available, was sufficient to determine this variant is unlikely to cause disease. Therefore, this variant is classified as likely benign.

Genomic Diagnostic Laboratory, Division of Genomic Diagnostics, Children's Hospital of Philadelphia
Classification: Likely benign. Last evaluated: 2015-11-10. Review status: criteria provided, single submitter. Criteria: DGD Variant Analysis Guidelines. Collection method: clinical testing. Allele origin: unknown.

NM_144773.4(PROKR2):c.518T>G (p.Leu173Arg)

Gene: PROKR2 (prokineticin receptor 2; minus strand). Cytogenetic location: 20p12.3.
Variant type: single nucleotide variant.
Coding change: c.518T>G on transcript NM_144773.4 (MANE Select); coding-DNA position 518, T replaced by G.
Protein change: p.Leu173Arg; replaces leucine 173 with arginine.
Molecular consequence: missense variant.
Genome position (GRCh38, 1-based): chr20:5,302,677, A>C on the plus strand (T>G on the coding strand, the complement: PROKR2 is on the minus strand). VCF-style: chr20-5302677-A-C. GRCh37 (hg19) VCF-style: chr20-5283323-A-C.
Other names: short protein forms L173R.
Identifiers: ClinVar variation 3449 (VCV000003449.56), dbSNP rs74315416, ClinGen allele CA259599.